The following is an entry in ClinVar:

NM_016065.4(MRPS16):c.270_272del (p.Leu91del)

Genes: DNAJC9-AS1 (DNAJC9 and MRPS16 antisense RNA 1; plus strand), MRPS16 (mitochondrial ribosomal protein S16; minus strand). Cytogenetic location: 10q22.2.
Variant type: Deletion.
Coding change: c.270_272del on transcript NM_016065.4 (MANE Select); coding-DNA positions 270 to 272, 3 bases deleted (TCT; older notation c.270_272delTCT).
Protein change: p.Leu91del; deletes leucine 91.
Genome position (GRCh38, 1-based): chr10:73,251,765-73,251,767, AGA deleted on the plus strand (TCT on the coding strand, the reverse complement: MRPS16 is on the minus strand); deleting any 3 consecutive bases within chr10:73,251,765-73,251,769 gives the same sequence; the c. name uses the placement nearest the transcript's 3' end. VCF-style (leftmost placement, unchanged base first): chr10-73251764-CAGA-C. GRCh37 (hg19) VCF-style: chr10-75011522-CAGA-C.
Other names: c.270_272del, p.Leu91del (NM_001410935.1); short protein forms L91del.
Identifiers: ClinVar variation 4763977 (VCV004763977.1).

ClinVar aggregate classification (germline): Uncertain significance (1 of 4 stars; one submission).

Submission:

Labcorp Genetics (formerly Invitae), Labcorp
Classification: Uncertain significance. Last evaluated: 2025-08-14. Review status: criteria provided, single submitter. Criteria: Invitae Variant Classification Sherloc (09022015). Collection method: clinical testing. Allele origin: germline.
Comment: This variant, c.270_272del, results in the deletion of 1 amino acid(s) of the MRPS16 protein (p.Leu91del), but otherwise preserves the integrity of the reading frame. This variant is not present in population databases (gnomAD no frequency). This variant has not been reported in the literature in individuals affected with MRPS16-related conditions. In summary, the available evidence is currently insufficient to determine the role of this variant in disease. Therefore, it has been classified as a Variant of Uncertain Significance.